The following is an entry in ClinVar:

NM_000245.4(MET):c.2515C>G (p.Pro839Ala)

Gene: MET (MET proto-oncogene, receptor tyrosine kinase; plus strand). Cytogenetic location: 7q31.2.
Variant type: single nucleotide variant.
Coding change: c.2515C>G on transcript NM_000245.4 (MANE Select); coding-DNA position 2515, C replaced by G.
Protein change: p.Pro839Ala; replaces proline 839 with alanine.
Molecular consequence: missense variant.
Genome position (GRCh38, 1-based): chr7:116,763,200, C>G. VCF-style: chr7-116763200-C-G. GRCh37 (hg19) VCF-style: chr7-116403254-C-G.
Other names: c.2569C>G, p.Pro857Ala (NM_001127500.3); c.2515C>G, p.Pro839Ala (NM_001324401.3); c.1225C>G, p.Pro409Ala (NM_001324402.2); short protein forms P839A, P409A, P857A.
Identifiers: ClinVar variation 1793192 (VCV001793192.2), dbSNP rs2116956434, ClinGen allele CA368983492.
Genomic context (GRCh38, chr7:116,763,200, plus strand): 5'-GCCTTTTTCATGTTAGATGGGATCCTTTCCAAATACTTTGATCTCATTTATGTACATAAT[C>G]CTGTGTTTAAGCCTTTTGAAAAGCCAGTGATGATCTCAATGGGCAATGAAAATGTACTGG-3'
Protein context (NP_000236.2, residues 829-849): KYFDLIYVHN[Pro839Ala]VFKPFEKPVM

ClinVar aggregate classification (germline): Uncertain significance (1 of 4 stars; one submission).

Conditions:
Hereditary cancer-predisposing syndrome. Also called: Tumor predisposition; Hereditary Cancer Syndrome; Neoplastic Syndromes, Hereditary; Hereditary neoplastic syndrome. Identifiers: Orphanet 140162, MedGen C0027672, MeSH D009386, MONDO:0015356.

Submission:

Ambry Genetics
Classification: Uncertain significance for Hereditary cancer-predisposing syndrome. Last evaluated: 2022-10-15. Review status: criteria provided, single submitter. Criteria: Ambry Variant Classification Scheme 2023. Collection method: clinical testing. Allele origin: germline.
Comment: The p.P857A variant (also known as c.2569C>G), located in coding exon 10 of the MET gene, results from a C to G substitution at nucleotide position 2569. The proline at codon 857 is replaced by alanine, an amino acid with highly similar properties. This amino acid position is conserved. In addition, this alteration is predicted to be deleterious by in silico analysis. Since supporting evidence is limited at this time, the clinical significance of this alteration remains unclear.